The following is an entry in ClinVar:

ClinVar aggregate classification (germline): Uncertain significance. Review status: criteria provided, multiple submitters, no conflicts (2 of 4 stars). 2 submissions from 2 submitters: Uncertain significance (2). Last evaluated 2025-11-20.

Conditions:
Hereditary cancer-predisposing syndrome. Also called: Tumor predisposition; Hereditary Cancer Syndrome; Hereditary neoplastic syndrome; Neoplastic Syndromes, Hereditary. Identifiers: Orphanet 140162, MedGen C0027672, MeSH D009386, MONDO:0015356.
Familial adenomatous polyposis 1 (FAP1). Also called: FAMILIAL ADENOMATOUS POLYPOSIS 1, ATTENUATED; POLYPOSIS, ADENOMATOUS INTESTINAL. Identifiers: MedGen C2713442, MONDO:0021056, OMIM 175100. Disease mechanism: loss of function.

Allele frequency attached by ClinVar (database versions not stated): gnomAD exomes below 0.00001.
gnomAD v4.1: 3 of 1,614,166 alleles (0.00019%); highest among the groups gnomAD compares: Non-Finnish European, 0.00025%; no homozygotes.

Submissions (2):

Ambry Genetics
Classification: Uncertain significance for Hereditary cancer-predisposing syndrome. Last evaluated: 2025-11-20. Review status: criteria provided, single submitter. Criteria: Ambry Variant Classification Scheme 2023. Collection method: clinical testing. Allele origin: germline.
Comment: The p.Q1294H variant (also known as c.3882G>T), located in coding exon 15 of the APC gene, results from a G to T substitution at nucleotide position 3882. The glutamine at codon 1294 is replaced by histidine, an amino acid with highly similar properties. This amino acid position is not well conserved in available vertebrate species. In addition, in silico predictors for this gene do not accurately predict pathogenicity. Missense alterations in APC are not a common cause of disease (Spier I et al. Genet Med. 2024 Feb;26(2):100992). Based on the available evidence, the clinical significance of this variant remains unclear.

Labcorp Genetics (formerly Invitae), Labcorp
Classification: Uncertain significance for Familial adenomatous polyposis 1. Last evaluated: 2025-07-30. Review status: criteria provided, single submitter. Criteria: Invitae Variant Classification Sherloc (09022015). Collection method: clinical testing. Allele origin: germline.
Comment: This sequence change replaces glutamine, which is neutral and polar, with histidine, which is basic and polar, at codon 1294 of the APC protein (p.Gln1294His). The frequency data for this variant in the population databases is considered unreliable, as metrics indicate poor data quality at this position in the gnomAD database. This variant has not been reported in the literature in individuals affected with APC-related conditions. ClinVar contains an entry for this variant (Variation ID: 486757). Invitae Evidence Modeling of protein sequence and biophysical properties (such as structural, functional, and spatial information, amino acid conservation, physicochemical variation, residue mobility, and thermodynamic stability) indicates that this missense variant is not expected to disrupt APC protein function with a negative predictive value of 95%. In summary, the available evidence is currently insufficient to determine the role of this variant in disease. Therefore, it has been classified as a Variant of Uncertain Significance.

NM_000038.6(APC):c.3882G>T (p.Gln1294His)

Gene: APC (APC regulator of Wnt signaling pathway; plus strand). Cytogenetic location: 5q22.2.
Variant type: single nucleotide variant.
Coding change: c.3882G>T on transcript NM_000038.6 (MANE Select); coding-DNA position 3882, G replaced by T.
Protein change: p.Gln1294His; replaces glutamine 1294 with histidine.
Molecular consequence: missense variant.
Genome position (GRCh38, 1-based): chr5:112,839,476, G>T. VCF-style: chr5-112839476-G-T. GRCh37 (hg19) VCF-style: chr5-112175173-G-T.
Other names: c.3882G>T, p.Gln1294His (NM_001127510.3, NM_001354895.2); c.3828G>T, p.Gln1276His (NM_001127511.3); c.3936G>T, p.Gln1312His (NM_001354896.2); c.3912G>T, p.Gln1304His (NM_001354897.2); c.3807G>T, p.Gln1269His (NM_001354898.2); c.3798G>T, p.Gln1266His (NM_001354899.2); c.3759G>T, p.Gln1253His (NM_001354900.2); c.3705G>T, p.Gln1235His (NM_001354901.2); and 5 more; short protein forms Q1276H, Q1294H, Q1011H, Q1134H, Q1168H, Q1235H, Q1253H, Q1269H.
Identifiers: ClinVar variation 486757 (VCV000486757.16), dbSNP rs1457219504, ClinGen allele CA16029851.